The following is an entry in ClinVar:

ClinVar aggregate classification (germline): Pathogenic/Likely pathogenic. Review status: criteria provided, multiple submitters, no conflicts (2 of 4 stars). 3 submissions from 3 submitters: Pathogenic (1); Likely pathogenic (1). 1 of the submissions does not count toward it. Last evaluated 2025-11-16.

Conditions:
Noonan syndrome (NS). Also called: Noonan's syndrome. Identifiers: Orphanet 648, MedGen C0028326, MeSH D009634, MONDO:0018997. Disease mechanism: gain of function.
Cardiofaciocutaneous syndrome 3 (CFC3). Also called: MAP2K1-Related Cardiofaciocutaneous Syndrome. Identifiers: Orphanet 1340, MedGen C3809006, MONDO:0014113, OMIM 615279.
RASopathy. Also called: Noonan spectrum disorder; rasopathies. Identifiers: Orphanet 536391, MedGen C5555857, MONDO:0021060.

Submissions (3):

3billion
Classification: Likely pathogenic for Cardiofaciocutaneous syndrome 3. Last evaluated: 2025-11-16. Review status: criteria provided, single submitter. Criteria: ACMG Guidelines, 2015. Collection method: clinical testing. Allele origin: germline. Affected: yes.
Comment: The variant is not observed in the gnomAD v4.1.0 dataset. Predicted Consequence/Location: Missense variant. Missense changes are a common disease-causing mechanism. In silico tool predictions suggest damaging effect of the variant on gene or gene product [REVEL: 0.69 (>=0.6, sensitivity 0.68 and specificity 0.92); 3Cnet: 0.84 (> 0.75, sensitivity 0.96 and precision 0.92)]. The same nucleotide change resulting in the same amino acid change has been previously reported to be associated with MAP2K1-related disorder (ClinVar ID: VCV000981554 /PMID: 33128510). Different missense changes at the same codon (p.Glu203Gln, p.Glu203Gly, p.Glu203Lys, p.Glu203Val) have been reported as pathogenic/likely pathogenic with strong evidence (ClinVar ID: VCV000167260, VCV000375982, VCV001328146, VCV003375745 /PMID: 18456719, 35322241). Therefore, this variant is classified as Likely pathogenic according to the recommendation of ACMG/AMP guideline.

Labcorp Genetics (formerly Invitae), Labcorp
Classification: Pathogenic for RASopathy. Last evaluated: 2025-08-21. Review status: criteria provided, single submitter. Criteria: Invitae Variant Classification Sherloc (09022015). Collection method: clinical testing. Allele origin: germline.
Comment: This sequence change replaces glutamic acid, which is acidic and polar, with alanine, which is neutral and non-polar, at codon 203 of the MAP2K1 protein (p.Glu203Ala). This variant is not present in population databases (gnomAD no frequency). This missense change has been observed in individual(s) with cardio-facio-cutaneous (CFC) syndrome (PMID: 33128510; internal data). In at least one individual the variant was observed to be de novo. ClinVar contains an entry for this variant (Variation ID: 981554). Invitae Evidence Modeling of protein sequence and biophysical properties (such as structural, functional, and spatial information, amino acid conservation, physicochemical variation, residue mobility, and thermodynamic stability) indicates that this missense variant is expected to disrupt MAP2K1 protein function with a positive predictive value of 95%. This variant disrupts the p.Gly203 amino acid residue in MAP2K1. Other variant(s) that disrupt this residue have been observed in individuals with MAP2K1-related conditions (PMID: 18456719), which suggests that this may be a clinically significant amino acid residue. For these reasons, this variant has been classified as Pathogenic.

Service de Génétique Moléculaire, Hôpital Robert Debré
Classification: Likely pathogenic for Noonan syndrome. Review status: no assertion criteria provided. Collection method: clinical testing. Allele origin: de novo. Affected: yes. Not counted in ClinVar's aggregate classification.

Literature cited by the submitters: PubMed 33128510 (cited by 3billion and Labcorp Genetics (formerly Invitae), Labcorp); PubMed 18456719 (cited by 3billion and Labcorp Genetics (formerly Invitae), Labcorp).

NM_002755.4(MAP2K1):c.608A>C (p.Glu203Ala)

Gene: MAP2K1 (mitogen-activated protein kinase kinase 1; plus strand). Cytogenetic location: 15q22.31.
Variant type: single nucleotide variant.
Coding change: c.608A>C on transcript NM_002755.4 (MANE Select); coding-DNA position 608, A replaced by C.
Protein change: p.Glu203Ala; replaces glutamic acid 203 with alanine.
Molecular consequence: missense variant.
Genome position (GRCh38, 1-based): chr15:66,481,794, A>C. VCF-style: chr15-66481794-A-C. GRCh37 (hg19) VCF-style: chr15-66774132-A-C.
Other names: short protein forms E203A.
Identifiers: ClinVar variation 981554 (VCV000981554.10), dbSNP rs727503996, ClinGen allele CA392936203.